The following is an entry in ClinVar:

NM_013275.6(ANKRD11):c.1405T>C (p.Phe469Leu)

Gene: ANKRD11 (ankyrin repeat domain 11; minus strand). Cytogenetic location: 16q24.3.
Variant type: single nucleotide variant.
Coding change: c.1405T>C on transcript NM_013275.6 (MANE Select); coding-DNA position 1405, T replaced by C.
Protein change: p.Phe469Leu; replaces phenylalanine 469 with leucine.
Molecular consequence: missense variant.
Genome position (GRCh38, 1-based): chr16:89,285,137, A>G on the plus strand (T>C on the coding strand, the complement: ANKRD11 is on the minus strand). VCF-style: chr16-89285137-A-G. GRCh37 (hg19) VCF-style: chr16-89351545-A-G.
Other names: c.1405T>C, p.Phe469Leu (NM_001256182.2, NM_001256183.2); short protein forms F469L.
Identifiers: ClinVar variation 2044332 (VCV002044332.4), dbSNP rs1482262295, ClinGen allele CA397165025.

ClinVar aggregate classification (germline): Uncertain significance (1 of 4 stars; one submission).

Conditions:
KBG syndrome (KBGS). Also called: ANKRD11-Related KBG Syndrome. Identifiers: Orphanet 2332, MedGen C0220687, MONDO:0007846, OMIM 148050.

Allele frequency attached by ClinVar (database versions not stated): gnomAD 0.00001.
gnomAD v4.1: 2 of 1,613,468 alleles (0.00012%); highest among the groups gnomAD compares: Admixed American, 0.0017%; no homozygotes.

Submission:

Labcorp Genetics (formerly Invitae), Labcorp
Classification: Uncertain significance for KBG syndrome. Last evaluated: 2024-03-21. Review status: criteria provided, single submitter. Criteria: Invitae Variant Classification Sherloc (09022015). Collection method: clinical testing. Allele origin: germline.
Comment: This sequence change replaces phenylalanine, which is neutral and non-polar, with leucine, which is neutral and non-polar, at codon 469 of the ANKRD11 protein (p.Phe469Leu). This variant is present in population databases (no rsID available, gnomAD 0.1%). This variant has not been reported in the literature in individuals affected with ANKRD11-related conditions. ClinVar contains an entry for this variant (Variation ID: 2044332). Advanced modeling of protein sequence and biophysical properties (such as structural, functional, and spatial information, amino acid conservation, physicochemical variation, residue mobility, and thermodynamic stability) performed at Invitae indicates that this missense variant is not expected to disrupt ANKRD11 protein function with a negative predictive value of 95%. In summary, the available evidence is currently insufficient to determine the role of this variant in disease. Therefore, it has been classified as a Variant of Uncertain Significance.